The following is an entry in ClinVar:

NM_020778.5(ALPK3):c.2365A>T (p.Thr789Ser)

Gene: ALPK3 (alpha kinase 3; plus strand). Cytogenetic location: 15q25.3.
Variant type: single nucleotide variant.
Coding change: c.2365A>T on transcript NM_020778.5 (MANE Select); coding-DNA position 2365, A replaced by T.
Protein change: p.Thr789Ser; replaces threonine 789 with serine.
Molecular consequence: missense variant.
Genome position (GRCh38, 1-based): chr15:84,857,103, A>T. VCF-style: chr15-84857103-A-T. GRCh37 (hg19) VCF-style: chr15-85400334-A-T.
Other names: short protein forms T789S.
Identifiers: ClinVar variation 2132980 (VCV002132980.4), dbSNP rs749299202, ClinGen allele CA393356899.

ClinVar aggregate classification (germline): Uncertain significance (1 of 4 stars; one submission).

Allele frequency attached by ClinVar (database versions not stated): gnomAD exomes 0.00002.
gnomAD v4.1: 9 of 1,614,152 alleles (0.00056%); highest among the groups gnomAD compares: Middle Eastern, 0.016%; no homozygotes.

Submission:

Labcorp Genetics (formerly Invitae), Labcorp
Classification: Uncertain significance. Last evaluated: 2022-05-02. Review status: criteria provided, single submitter. Criteria: Invitae Variant Classification Sherloc (09022015). Collection method: clinical testing. Allele origin: germline.
Comment: This sequence change replaces threonine, which is neutral and polar, with serine, which is neutral and polar, at codon 991 of the ALPK3 protein (p.Thr991Ser). In summary, the available evidence is currently insufficient to determine the role of this variant in disease. Therefore, it has been classified as a Variant of Uncertain Significance. Algorithms developed to predict the effect of missense changes on protein structure and function output the following: SIFT: "Tolerated"; PolyPhen-2: "Benign"; Align-GVGD: "Class C0". The serine amino acid residue is found in multiple mammalian species, which suggests that this missense change does not adversely affect protein function. This variant has not been reported in the literature in individuals affected with ALPK3-related conditions. This variant is not present in population databases (gnomAD no frequency).